The following is an entry in ClinVar:

NM_198859.4(PRICKLE2):c.1033G>A (p.Gly345Ser)

Gene: PRICKLE2 (prickle planar cell polarity protein 2; minus strand). Cytogenetic location: 3p14.1.
Variant type: single nucleotide variant.
Coding change: c.1033G>A on transcript NM_198859.4 (MANE Select); coding-DNA position 1033, G replaced by A.
Protein change: p.Gly345Ser; replaces glycine 345 with serine.
Molecular consequence: missense variant.
Genome position (GRCh38, 1-based): chr3:64,147,457, C>T on the plus strand (G>A on the coding strand, the complement: PRICKLE2 is on the minus strand). VCF-style: chr3-64147457-C-T. GRCh37 (hg19) VCF-style: chr3-64133133-C-T.
Other names: c.1033G>A, p.Gly345Ser (NM_001370528.1); short protein forms G345S.
Identifiers: ClinVar variation 2827846 (VCV002827846.3), dbSNP rs2471159165, ClinGen allele CA353431769.
Genomic context (GRCh38, chr3:64,147,457, plus strand): 5'-GCCGGTTAGAACTCACTTGCAGCTGGCTGTGCTGGTTCAGCATGGGCTCCTCCGTCTTGC[C>T]CTTGTTCTTGCCAATTTTGGCACTGCGCCGGGACTCCTTGGCCCTGGCGTTCTGGAAGGC-3'
Protein context (NP_942559.1, residues 335-355): RRSAKIGKNK[Gly345Ser]KTEEPMLNQH

ClinVar aggregate classification (germline): Uncertain significance (1 of 4 stars; one submission).

Conditions:
Progressive myoclonic epilepsy type 5. Identifiers: Orphanet 402082, MedGen C5190799.

Submission:

Labcorp Genetics (formerly Invitae), Labcorp
Classification: Uncertain significance for Progressive myoclonic epilepsy type 5. Last evaluated: 2024-04-24. Review status: criteria provided, single submitter. Criteria: Invitae Variant Classification Sherloc (09022015). Collection method: clinical testing. Allele origin: germline.
Comment: This sequence change replaces glycine, which is neutral and non-polar, with serine, which is neutral and polar, at codon 345 of the PRICKLE2 protein (p.Gly345Ser). This variant is not present in population databases (gnomAD no frequency). This variant has not been reported in the literature in individuals affected with PRICKLE2-related conditions. Advanced modeling of protein sequence and biophysical properties (such as structural, functional, and spatial information, amino acid conservation, physicochemical variation, residue mobility, and thermodynamic stability) performed at Invitae indicates that this missense variant is not expected to disrupt PRICKLE2 protein function with a negative predictive value of 80%. In summary, the available evidence is currently insufficient to determine the role of this variant in disease. Therefore, it has been classified as a Variant of Uncertain Significance.